The following is an entry in ClinVar:

NM_001277115.2(DNAH11):c.7552G>A (p.Val2518Ile)

Gene: DNAH11 (dynein axonemal heavy chain 11; plus strand). Cytogenetic location: 7p15.3.
Variant type: single nucleotide variant.
Coding change: c.7552G>A on transcript NM_001277115.2 (MANE Select); coding-DNA position 7552, G replaced by A.
Protein change: p.Val2518Ile; replaces valine 2518 with isoleucine.
Molecular consequence: missense variant.
Genome position (GRCh38, 1-based): chr7:21,735,751, G>A. VCF-style: chr7-21735751-G-A. GRCh37 (hg19) VCF-style: chr7-21775369-G-A.
Other names: short protein forms V2518I.
Identifiers: ClinVar variation 163108 (VCV000163108.20), dbSNP rs68023059, ClinGen allele CA175725.

ClinVar aggregate classification (germline): Benign/Likely benign. Review status: criteria provided, multiple submitters, no conflicts (2 of 4 stars). 6 submissions from 6 submitters: Benign (5); Likely benign (1). Last evaluated 2026-02-02.

Conditions:
Primary ciliary dyskinesia. Also called: Ciliary dyskinesia. Identifiers: Orphanet 244, MedGen C0008780, MONDO:0016575, HP:0012265.

Allele frequency attached by ClinVar (database versions not stated): 1000 Genomes Project 0.01338; 1000 Genomes Project 30x 0.01374; gnomAD 0.02543 and 0.02641; TOPMed 0.02563; gnomAD exomes 0.02686 and 0.03713; ExAC 0.02843; ESP Exome Variant Server 0.03049.

Submissions (6):

Labcorp Genetics (formerly Invitae), Labcorp
Classification: Benign for Primary ciliary dyskinesia. Last evaluated: 2026-02-02. Review status: criteria provided, single submitter. Criteria: Invitae Variant Classification Sherloc (09022015). Collection method: clinical testing. Allele origin: germline.

Blueprint Genetics
Classification: Likely benign. Last evaluated: 2024-11-27. Review status: criteria provided, single submitter. Criteria: ACMG Guidelines, 2015. Collection method: clinical testing. Allele origin: germline.

Mayo Clinic Laboratories, Mayo Clinic
Classification: Benign. Last evaluated: 2023-07-18. Review status: criteria provided, single submitter. Criteria: ACMG Guidelines, 2015. Collection method: clinical testing. Allele origin: germline. Observed: 14 variant alleles.
Comment: BS1, BS2, BP4

GeneDx
Classification: Benign. Last evaluated: 2020-09-08. Review status: criteria provided, single submitter. Criteria: GeneDx Variant Classification Process June 2021. Collection method: clinical testing. Allele origin: germline. Affected: yes.
Comment: This variant is associated with the following publications: (PMID: 24450482)

Laboratory for Molecular Medicine, Mass General Brigham Personalized Medicine
Classification: Benign. Last evaluated: 2013-02-21. Review status: criteria provided, single submitter. Criteria: LMM Criteria. Collection method: clinical testing. Allele origin: germline. Observed: 3 variant alleles.
Comment: Val2518Ile in exon 46 of DNAH11: This variant is not expected to have clinical s ignificance because it has been identified in 4.2% (344/8268) of European Americ an chromosomes from a broad population by the NHLBI Exome Sequencing Project (dbSNP rs68023059).

PreventionGenetics, part of Exact Sciences
Classification: Benign. Review status: criteria provided, single submitter. Criteria: ACMG Guidelines, 2015. Collection method: clinical testing. Allele origin: germline.

Literature cited by the submitters: PubMed 24450482 (cited by Mayo Clinic Laboratories, Mayo Clinic).